The following is an entry in ClinVar:

NM_201596.3(CACNB2):c.1654C>A (p.Gln552Lys)

Gene: CACNB2 (calcium voltage-gated channel auxiliary subunit beta 2; plus strand). Cytogenetic location: 10p12.31.
Variant type: single nucleotide variant.
Coding change: c.1654C>A on transcript NM_201596.3 (MANE Select); coding-DNA position 1654, C replaced by A.
Protein change: p.Gln552Lys; replaces glutamine 552 with lysine.
Molecular consequence: missense variant.
Genome position (GRCh38, 1-based): chr10:18,539,395, C>A. VCF-style: chr10-18539395-C-A. GRCh37 (hg19) VCF-style: chr10-18828324-C-A.
Other names: c.1489C>A, p.Gln497Lys (NM_000724.4); c.1456C>A, p.Gln486Lys (NM_001167945.2); c.1375C>A, p.Gln459Lys (NM_001330060.2); c.1510C>A, p.Gln504Lys (NM_201570.3); c.1570C>A, p.Gln524Lys (NM_201571.4); c.1498C>A, p.Gln500Lys (NM_201572.4); c.1492C>A, p.Gln498Lys (NM_201590.3); c.1540C>A, p.Gln514Lys (NM_201593.3); and 1 more; short protein forms Q459K, Q486K, Q497K, Q498K, Q500K, Q504K, Q514K, Q524K.
Identifiers: ClinVar variation 810766 (VCV000810766.6), dbSNP rs1339855749, ClinGen allele CA376071630.

ClinVar aggregate classification (germline): Uncertain significance. Review status: criteria provided, multiple submitters, no conflicts (2 of 4 stars). 3 submissions from 3 submitters: Uncertain significance (3). Last evaluated 2023-10-23.

Conditions:
Sudden unexplained death. Identifiers: MedGen C0520806.
Brugada syndrome 4 (BRGDA4). Identifiers: Orphanet 130, MedGen C2678477, MONDO:0012743, OMIM 611876.
Cardiovascular phenotype. Identifiers: MedGen CN230736.

Allele frequency attached by ClinVar (database versions not stated): gnomAD 0.00002; TOPMed 0.00002.
gnomAD v4.1: 3 of 1,613,986 alleles (0.00019%); highest among the groups gnomAD compares: African/African-American, 0.004%; no homozygotes.

Submissions (3):

Labcorp Genetics (formerly Invitae), Labcorp
Classification: Uncertain significance for Brugada syndrome 4. Last evaluated: 2023-10-23. Review status: criteria provided, single submitter. Criteria: Invitae Variant Classification Sherloc (09022015). Collection method: clinical testing. Allele origin: germline.
Comment: This sequence change replaces glutamine, which is neutral and polar, with lysine, which is basic and polar, at codon 498 of the CACNB2 protein (p.Gln498Lys). This variant is present in population databases (no rsID available, gnomAD 0.01%). This variant has not been reported in the literature in individuals affected with CACNB2-related conditions. ClinVar contains an entry for this variant (Variation ID: 810766). Advanced modeling of protein sequence and biophysical properties (such as structural, functional, and spatial information, amino acid conservation, physicochemical variation, residue mobility, and thermodynamic stability) performed at Invitae indicates that this missense variant is not expected to disrupt CACNB2 protein function. In summary, the available evidence is currently insufficient to determine the role of this variant in disease. Therefore, it has been classified as a Variant of Uncertain Significance.

Ambry Genetics
Classification: Uncertain significance for Cardiovascular phenotype. Last evaluated: 2021-01-05. Review status: criteria provided, single submitter. Criteria: Ambry Variant Classification Scheme 2023. Collection method: clinical testing. Allele origin: germline.
Comment: The p.Q498K variant (also known as c.1492C>A), located in coding exon 13 of the CACNB2 gene, results from a C to A substitution at nucleotide position 1492. The glutamine at codon 498 is replaced by lysine, an amino acid with similar properties. This amino acid position is highly conserved in available vertebrate species. In addition, this alteration is predicted to be deleterious by in silico analysis. Since supporting evidence is limited at this time, the clinical significance of this alteration remains unclear.

Agnes Ginges Centre for Molecular Cardiology, Centenary Institute
Classification: Uncertain significance for Sudden unexplained death. Last evaluated: 2018-03-07. Review status: criteria provided, single submitter. Criteria: ACMG Guidelines, 2015. Collection method: research. Allele origin: germline. Inheritance: Autosomal dominant inheritance. Affected: yes.
Comment: This variant has been identified as part of our research program. Refer to the 'condition' field for the phenotype of the proband(s) identified with this variant. For further information please feel free to contact us.